The following is an entry in ClinVar:

ClinVar aggregate classification (germline): Uncertain significance. Review status: criteria provided, multiple submitters, no conflicts (2 of 4 stars). 3 submissions from 3 submitters: Uncertain significance (3). Last evaluated 2024-12-25.

Conditions:
Intellectual developmental disorder, autosomal recessive 61. Also called: ALWADEI SYNDROME; Intellectual disability, autosomal recessive 61; MENTAL RETARDATION, AUTOSOMAL RECESSIVE 61. Identifiers: MedGen C4540424, MONDO:0030915, OMIM 617773.

Allele frequency attached by ClinVar (database versions not stated): ExAC 0.00002; gnomAD exomes 0.00004 and 0.00003; TOPMed 0.00002; gnomAD 0.00004.
gnomAD v4.1: 46 of 1,613,488 alleles (0.0029%); highest among the groups gnomAD compares: South Asian, 0.013%; no homozygotes.

Submissions (3):

Ambry Genetics
Classification: Uncertain significance. Last evaluated: 2024-12-25. Review status: criteria provided, single submitter. Criteria: Ambry Variant Classification Scheme 2023. Collection method: clinical testing. Allele origin: germline.

Labcorp Genetics (formerly Invitae), Labcorp
Classification: Uncertain significance. Last evaluated: 2022-07-25. Review status: criteria provided, single submitter. Criteria: Invitae Variant Classification Sherloc (09022015). Collection method: clinical testing. Allele origin: germline.
Comment: This sequence change replaces arginine, which is basic and polar, with glutamine, which is neutral and polar, at codon 711 of the RUSC2 protein (p.Arg711Gln). This variant is present in population databases (rs200756109, gnomAD 0.01%). This variant has not been reported in the literature in individuals affected with RUSC2-related conditions. ClinVar contains an entry for this variant (Variation ID: 1027719). Algorithms developed to predict the effect of missense changes on protein structure and function are either unavailable or do not agree on the potential impact of this missense change (SIFT: "Deleterious"; PolyPhen-2: "Benign"; Align-GVGD: "Class C0"). In summary, the available evidence is currently insufficient to determine the role of this variant in disease. Therefore, it has been classified as a Variant of Uncertain Significance.

Baylor Genetics
Classification: Uncertain significance for Intellectual developmental disorder, autosomal recessive 61. Last evaluated: 2019-07-27. Review status: criteria provided, single submitter. Criteria: ACMG Guidelines, 2015. Collection method: clinical testing. Allele origin: unknown. Affected: yes.
Comment: This variant was determined to be of uncertain significance according to ACMG Guidelines, 2015 [PMID:25741868].

NM_014806.5(RUSC2):c.2132G>A (p.Arg711Gln)

Gene: RUSC2 (RUN and SH3 domain containing 2; plus strand). Cytogenetic location: 9p13.3.
Variant type: single nucleotide variant.
Coding change: c.2132G>A on transcript NM_014806.5 (MANE Select); coding-DNA position 2132, G replaced by A.
Protein change: p.Arg711Gln; replaces arginine 711 with glutamine.
Molecular consequence: missense variant. On other transcripts: 5 prime UTR variant (1), non-coding transcript variant (1).
Genome position (GRCh38, 1-based): chr9:35,555,177, G>A. VCF-style: chr9-35555177-G-A. GRCh37 (hg19) VCF-style: chr9-35555174-G-A.
Other names: c.2132G>A, p.Arg711Gln (NM_001135999.2); c.-503G>A (NM_001330740.2); short protein forms R711Q.
Identifiers: ClinVar variation 1027719 (VCV001027719.5), dbSNP rs200756109, ClinGen allele CA5043808.